The following is an entry in ClinVar:

ClinVar aggregate classification (germline): Uncertain significance (1 of 4 stars; one submission).

Submission:

Labcorp Genetics (formerly Invitae), Labcorp
Classification: Uncertain significance. Last evaluated: 2022-02-24. Review status: criteria provided, single submitter. Criteria: Invitae Variant Classification Sherloc (09022015). Collection method: clinical testing. Allele origin: germline.
Comment: This variant has not been reported in the literature in individuals affected with SAMD9L-related conditions. Experimental studies and prediction algorithms are not available or were not evaluated, and the functional significance of this variant is currently unknown. In summary, the available evidence is currently insufficient to determine the role of this variant in disease. Therefore, it has been classified as a Variant of Uncertain Significance. This variant is not present in population databases (gnomAD no frequency). This sequence change creates a premature translational stop signal (p.Gln32*) in the SAMD9L gene. While this is not anticipated to result in nonsense mediated decay, it is expected to disrupt the last 1553 amino acid(s) of the SAMD9L protein.

NM_152703.5(SAMD9L):c.94C>T (p.Gln32Ter)

Gene: SAMD9L (sterile alpha motif domain containing 9 like; minus strand). Cytogenetic location: 7q21.2.
Variant type: single nucleotide variant.
Coding change: c.94C>T on transcript NM_152703.5 (MANE Select); coding-DNA position 94, C replaced by T.
Protein change: p.Gln32Ter; replaces glutamine 32 with a stop codon.
Molecular consequence: nonsense.
Genome position (GRCh38, 1-based): chr7:93,135,878, G>A on the plus strand (C>T on the coding strand, the complement: SAMD9L is on the minus strand). VCF-style: chr7-93135878-G-A. GRCh37 (hg19) VCF-style: chr7-92765191-G-A.
Other names: c.94C>T, p.Gln32Ter (NM_001303496.3, NM_001303497.3, NM_001303498.3 and 5 more transcripts); short protein forms Q32*.
Identifiers: ClinVar variation 1949127 (VCV001949127.5), dbSNP rs1010665539, ClinGen allele CA368206914.